The following is an entry in ClinVar:

NM_015909.4(NBAS):c.619C>T (p.Arg207Ter)

Gene: NBAS (NBAS subunit of NRZ tethering complex; minus strand). Cytogenetic location: 2p24.3.
Variant type: single nucleotide variant.
Coding change: c.619C>T on transcript NM_015909.4 (MANE Select); coding-DNA position 619, C replaced by T.
Protein change: p.Arg207Ter; replaces arginine 207 with a stop codon.
Molecular consequence: nonsense. On other transcripts: non-coding transcript variant (1).
Genome position (GRCh38, 1-based): chr2:15,536,446, G>A on the plus strand (C>T on the coding strand, the complement: NBAS is on the minus strand). VCF-style: chr2-15536446-G-A. GRCh37 (hg19) VCF-style: chr2-15676570-G-A.
Other names: short protein forms R207*.
Identifiers: ClinVar variation 2059937 (VCV002059937.4), dbSNP rs866020952, ClinGen allele CA42648650.

ClinVar aggregate classification (germline): Pathogenic (1 of 4 stars; one submission).

gnomAD v4.1: 11 of 1,613,272 alleles (0.00068%); highest among the groups gnomAD compares: South Asian, 0.0011%; no homozygotes.

Submission:

Labcorp Genetics (formerly Invitae), Labcorp
Classification: Pathogenic. Last evaluated: 2025-12-30. Review status: criteria provided, single submitter. Criteria: Invitae Variant Classification Sherloc (09022015). Collection method: clinical testing. Allele origin: germline.
Comment: This sequence change creates a premature translational stop signal (p.Arg207*) in the NBAS gene. It is expected to result in an absent or disrupted protein product. Loss-of-function variants in NBAS are known to be pathogenic (PMID: 26073778, 26541327, 27789416, 28031453). This variant is present in population databases (no rsID available, gnomAD 0.0009%). This variant has not been reported in the literature in individuals affected with NBAS-related conditions. ClinVar contains an entry for this variant (Variation ID: 2059937). Algorithms developed to predict the effect of sequence changes on RNA splicing suggest that this variant may disrupt the consensus splice site. For these reasons, this variant has been classified as Pathogenic.

Literature cited by the submitters: PubMed 26073778; PubMed 26541327; PubMed 27789416; PubMed 28031453.